The following is an entry in ClinVar:

ClinVar aggregate classification (germline): Uncertain significance (1 of 4 stars; one submission).

Allele frequency attached by ClinVar (database versions not stated): gnomAD exomes 0.00002 and 0.00007; TOPMed 0.00004; gnomAD 0.00005; ExAC 0.00007.
gnomAD v4.1: 32 of 1,613,824 alleles (0.002%); highest among the groups gnomAD compares: Admixed American, 0.027%; no homozygotes.

Submission:

Labcorp Genetics (formerly Invitae), Labcorp
Classification: Uncertain significance. Last evaluated: 2024-08-13. Review status: criteria provided, single submitter. Criteria: Invitae Variant Classification Sherloc (09022015). Collection method: clinical testing. Allele origin: germline.
Comment: This sequence change replaces arginine, which is basic and polar, with tryptophan, which is neutral and slightly polar, at codon 268 of the CLIC5 protein (p.Arg268Trp). This variant is present in population databases (rs771084229, gnomAD 0.03%). This variant has not been reported in the literature in individuals affected with CLIC5-related conditions. ClinVar contains an entry for this variant (Variation ID: 1507607). An algorithm developed to predict the effect of missense changes on protein structure and function (PolyPhen-2) suggests that this variant is likely to be disruptive. In summary, the available evidence is currently insufficient to determine the role of this variant in disease. Therefore, it has been classified as a Variant of Uncertain Significance.

NM_016929.5(CLIC5):c.325C>T (p.Arg109Trp)

Gene: CLIC5 (chloride intracellular channel 5; minus strand). Cytogenetic location: 6p21.1.
Variant type: single nucleotide variant.
Coding change: c.325C>T on transcript NM_016929.5 (MANE Select); coding-DNA position 325, C replaced by T.
Protein change: p.Arg109Trp; replaces arginine 109 with tryptophan.
Molecular consequence: missense variant.
Genome position (GRCh38, 1-based): chr6:45,941,628, G>A on the plus strand (C>T on the coding strand, the complement: CLIC5 is on the minus strand). VCF-style: chr6-45941628-G-A. GRCh37 (hg19) VCF-style: chr6-45909365-G-A.
Other names: c.802C>T, p.Arg268Trp (NM_001114086.2, NM_001370650.1); c.325C>T, p.Arg109Trp (NM_001256023.2); c.208C>T, p.Arg70Trp (NM_001370649.1); short protein forms R268W, R109W, R70W.
Identifiers: ClinVar variation 1507607 (VCV001507607.8), dbSNP rs771084229, ClinGen allele CA3836828.